The following is an entry in ClinVar:

NM_033360.4(KRAS):c.450+16A>G

Gene: KRAS (KRAS proto-oncogene, GTPase; minus strand). Cytogenetic location: 12p12.1.
Variant type: single nucleotide variant.
Coding change: c.450+16A>G on transcript NM_033360.4 (MANE Plus Clinical); 16 bases into the intron after coding-DNA position 450, A replaced by G.
Molecular consequence: intron variant.
Genome position (GRCh38, 1-based): chr12:25,225,598, T>C on the plus strand (A>G on the coding strand, the complement: KRAS is on the minus strand). VCF-style: chr12-25225598-T-C. GRCh37 (hg19) VCF-style: chr12-25378532-T-C.
Other names: c.450+16A>G (NM_001369787.1, NM_001369786.1, NM_004985.5 and 2 more transcripts).
Identifiers: ClinVar variation 515085 (VCV000515085.2), dbSNP rs1555193834, ClinGen allele CA658797853.

ClinVar aggregate classification (germline): Likely benign. Review status: criteria provided, multiple submitters, no conflicts (2 of 4 stars). 2 submissions from 2 submitters: Likely benign (2). Last evaluated 2025-06-27.

Conditions:
RASopathy. Also called: Noonan spectrum disorder; rasopathies. Identifiers: Orphanet 536391, MedGen C5555857, MONDO:0021060.

Allele frequency attached by ClinVar (database versions not stated): gnomAD exomes 0.00001.
gnomAD v4.1: 13 of 1,611,546 alleles (0.00081%); highest among the groups gnomAD compares: Non-Finnish European, 0.001%; no homozygotes.

Submissions (2):

Labcorp Genetics (formerly Invitae), Labcorp
Classification: Likely benign for RASopathy. Last evaluated: 2025-06-27. Review status: criteria provided, single submitter. Criteria: Invitae Variant Classification Sherloc (09022015). Collection method: clinical testing. Allele origin: germline.

GeneDx
Classification: Likely benign. Last evaluated: 2018-01-25. Review status: criteria provided, single submitter. Criteria: GeneDx Variant Classification (06012015). Collection method: clinical testing. Allele origin: germline. Affected: yes.
Comment: This variant is considered likely benign or benign based on one or more of the following criteria: it is a conservative change, it occurs at a poorly conserved position in the protein, it is predicted to be benign by multiple in silico algorithms, and/or has population frequency not consistent with disease.